The following is an entry in ClinVar:

ClinVar aggregate classification (germline): Uncertain significance. Review status: criteria provided, multiple submitters, no conflicts (2 of 4 stars). 2 submissions from 2 submitters: Uncertain significance (2). Last evaluated 2025-11-11.

Conditions:
Inborn genetic diseases. Identifiers: MedGen C0950123, MeSH D030342.
Sulfite oxidase deficiency due to molybdenum cofactor deficiency type C. Also called: Molybdenum cofactor deficiency C; Molybdenum cofactor deficiency, complementation group C. Identifiers: Orphanet 308400, Orphanet 833, MedGen C1854990, MONDO:0014212, OMIM 615501.

Allele frequency attached by ClinVar (database versions not stated): gnomAD 0.00001; gnomAD exomes 0.00001.
gnomAD v4.1: 8 of 1,611,602 alleles (0.0005%); highest among the groups gnomAD compares: East Asian, 0.0045%; no homozygotes.

Submissions (2):

Ambry Genetics
Classification: Uncertain significance for Inborn genetic diseases. Last evaluated: 2025-11-11. Review status: criteria provided, single submitter. Criteria: Ambry Variant Classification Scheme 2023. Collection method: clinical testing. Allele origin: germline.

Labcorp Genetics (formerly Invitae), Labcorp
Classification: Uncertain significance for Sulfite oxidase deficiency due to molybdenum cofactor deficiency type C. Last evaluated: 2022-06-23. Review status: criteria provided, single submitter. Criteria: Invitae Variant Classification Sherloc (09022015). Collection method: clinical testing. Allele origin: germline.
Comment: This sequence change replaces glycine, which is neutral and non-polar, with serine, which is neutral and polar, at codon 258 of the GPHN protein (p.Gly258Ser). This variant is present in population databases (no rsID available, gnomAD 0.01%). This variant has not been reported in the literature in individuals affected with GPHN-related conditions. Algorithms developed to predict the effect of missense changes on protein structure and function (SIFT, PolyPhen-2, Align-GVGD) all suggest that this variant is likely to be tolerated. In summary, the available evidence is currently insufficient to determine the role of this variant in disease. Therefore, it has been classified as a Variant of Uncertain Significance.

NM_020806.5(GPHN):c.772G>A (p.Gly258Ser)

Gene: GPHN (gephyrin; plus strand). Cytogenetic location: 14q23.3.
Variant type: single nucleotide variant.
Coding change: c.772G>A on transcript NM_020806.5 (MANE Select); coding-DNA position 772, G replaced by A.
Protein change: p.Gly258Ser; replaces glycine 258 with serine.
Molecular consequence: missense variant. On other transcripts: intron variant (7).
Genome position (GRCh38, 1-based): chr14:66,924,236, G>A. VCF-style: chr14-66924236-G-A. GRCh37 (hg19) VCF-style: chr14-67390953-G-A.
Other names: c.768+1298G>A (NM_001377514.1, NM_001377519.1); c.729+1298G>A (NM_001377515.1, NM_001377516.1, NM_001377518.1 and 2 more transcripts); c.772G>A (NM_020806.4); short protein forms G258S.
Identifiers: ClinVar variation 2191080 (VCV002191080.5), dbSNP rs1458825735, ClinGen allele CA390256688.